The following is an entry in ClinVar:

NM_017819.4(TRMT10C):c.163A>G (p.Thr55Ala)

Gene: TRMT10C (tRNA methyltransferase 10C, mitochondrial RNase P subunit; plus strand). Cytogenetic location: 3q12.3.
Variant type: single nucleotide variant.
Coding change: c.163A>G on transcript NM_017819.4 (MANE Select); coding-DNA position 163, A replaced by G.
Protein change: p.Thr55Ala; replaces threonine 55 with alanine.
Molecular consequence: missense variant.
Genome position (GRCh38, 1-based): chr3:101,564,944, A>G. VCF-style: chr3-101564944-A-G. GRCh37 (hg19) VCF-style: chr3-101283788-A-G.
Other names: c.163A>G (NM_017819.2); short protein forms T55A.
Identifiers: ClinVar variation 1408557 (VCV001408557.8), dbSNP rs770397788, ClinGen allele CA2520473.

ClinVar aggregate classification (germline): Uncertain significance. Review status: criteria provided, multiple submitters, no conflicts (2 of 4 stars). 2 submissions from 2 submitters: Uncertain significance (2). Last evaluated 2025-08-23.

Allele frequency attached by ClinVar (database versions not stated): ExAC 0.00001; gnomAD 0.00001; gnomAD exomes 0.00001 and 0.00002; TOPMed 0.00002.
gnomAD v4.1: 31 of 1,613,876 alleles (0.0019%); highest among the groups gnomAD compares: Non-Finnish European, 0.0023%; no homozygotes.

Submissions (2):

Ambry Genetics
Classification: Uncertain significance. Last evaluated: 2025-08-23. Review status: criteria provided, single submitter. Criteria: Ambry Variant Classification Scheme 2023. Collection method: clinical testing. Allele origin: germline.

Labcorp Genetics (formerly Invitae), Labcorp
Classification: Uncertain significance. Last evaluated: 2024-07-01. Review status: criteria provided, single submitter. Criteria: Invitae Variant Classification Sherloc (09022015). Collection method: clinical testing. Allele origin: germline.
Comment: This sequence change replaces threonine, which is neutral and polar, with alanine, which is neutral and non-polar, at codon 55 of the TRMT10C protein (p.Thr55Ala). This variant is present in population databases (rs770397788, gnomAD 0.003%). This variant has not been reported in the literature in individuals affected with TRMT10C-related conditions. ClinVar contains an entry for this variant (Variation ID: 1408557). Algorithms developed to predict the effect of missense changes on protein structure and function output the following: SIFT: "Not Available"; PolyPhen-2: "Benign"; Align-GVGD: "Not Available". The alanine amino acid residue is found in multiple mammalian species, which suggests that this missense change does not adversely affect protein function. In summary, the available evidence is currently insufficient to determine the role of this variant in disease. Therefore, it has been classified as a Variant of Uncertain Significance.